The following is an entry in ClinVar:

NM_002292.4(LAMB2):c.3798-1G>C

Gene: LAMB2 (laminin subunit beta 2; minus strand). Cytogenetic location: 3p21.31.
Variant type: single nucleotide variant.
Coding change: c.3798-1G>C on transcript NM_002292.4 (MANE Select); the canonical splice acceptor site of the intron before coding-DNA position 3798, G replaced by C.
Molecular consequence: splice acceptor variant.
Genome position (GRCh38, 1-based): chr3:49,123,632, C>G on the plus strand (G>C on the coding strand, the complement: LAMB2 is on the minus strand). VCF-style: chr3-49123632-C-G. GRCh37 (hg19) VCF-style: chr3-49161065-C-G.
Identifiers: ClinVar variation 429194 (VCV000429194.4), dbSNP rs1131690793, ClinGen allele CA352700432.

ClinVar aggregate classification (germline): Likely pathogenic (1 of 4 stars; one submission).

Conditions:
Pierson syndrome. Also called: MICROCORIA-CONGENITAL NEPHROTIC SYNDROME. Identifiers: Orphanet 2670, MedGen C1836876, MONDO:0012184, OMIM 609049.
LAMB2-related infantile-onset nephrotic syndrome. Also called: Nephrotic Syndrome, type 5; NEPHROTIC SYNDROME, TYPE 5, WITHOUT OCULAR ABNORMALITIES; NEPHROTIC SYNDROME, TYPE 5, WITH OCULAR ABNORMALITIES. Identifiers: Orphanet 306507, MedGen C3280113, MONDO:0013621, OMIM 614199.

Allele frequency attached by ClinVar (database versions not stated): gnomAD 0.00001.
gnomAD v4.1: 1 of 1,614,004 alleles (0.000062%); highest among the groups gnomAD compares: Non-Finnish European, 0.000085%; no homozygotes.

Submission:

Labcorp Genetics (formerly Invitae), Labcorp
Classification: Likely pathogenic for LAMB2-related infantile-onset nephrotic syndrome; Pierson syndrome. Last evaluated: 2024-05-02. Review status: criteria provided, single submitter. Criteria: Invitae Variant Classification Sherloc (09022015). Collection method: clinical testing. Allele origin: germline.
Comment: This sequence change affects an acceptor splice site in intron 24 of the LAMB2 gene. It is expected to disrupt RNA splicing. Variants that disrupt the donor or acceptor splice site typically lead to a loss of protein function (PMID: 16199547), and loss-of-function variants in LAMB2 are known to be pathogenic (PMID: 15367484). This variant is present in population databases (no rsID available, gnomAD 0.007%). Disruption of this splice site has been observed in individual(s) with Pierson syndrome (PMID: 18672223). ClinVar contains an entry for this variant (Variation ID: 429194). Algorithms developed to predict the effect of sequence changes on RNA splicing suggest that this variant may disrupt the consensus splice site. In summary, the currently available evidence indicates that the variant is pathogenic, but additional data are needed to prove that conclusively. Therefore, this variant has been classified as Likely Pathogenic.

Literature cited by the submitters: PubMed 16199547; PubMed 15367484; PubMed 18672223.